The following is an entry in ClinVar:

ClinVar aggregate classification (germline): Uncertain significance (1 of 4 stars; one submission).

Conditions:
Aniridia 1 (AN1). Identifiers: Orphanet 250923, MedGen C0344542, MONDO:0024507, OMIM 106210.
Irido-corneo-trabecular dysgenesis (ASGD5). Also called: ANTERIOR SEGMENT DYSGENESIS 5. Identifiers: Orphanet 708, MedGen C0344559, MONDO:0011414, OMIM 604229, HP:0000659.

Allele frequency attached by ClinVar (database versions not stated): gnomAD exomes below 0.00001.
gnomAD v4.1: 1 of 1,614,206 alleles (0.000062%); highest among the groups gnomAD compares: African/African-American, 0.0013%; no homozygotes.

Submission:

Labcorp Genetics (formerly Invitae), Labcorp
Classification: Uncertain significance for Aniridia 1; Irido-corneo-trabecular dysgenesis. Last evaluated: 2024-08-05. Review status: criteria provided, single submitter. Criteria: Invitae Variant Classification Sherloc (09022015). Collection method: clinical testing. Allele origin: germline.
Comment: This sequence change replaces serine, which is neutral and polar, with threonine, which is neutral and polar, at codon 167 of the PAX6 protein (p.Ser167Thr). This variant is not present in population databases (gnomAD no frequency). This variant has not been reported in the literature in individuals affected with PAX6-related conditions. ClinVar contains an entry for this variant (Variation ID: 1360755). Advanced modeling of protein sequence and biophysical properties (such as structural, functional, and spatial information, amino acid conservation, physicochemical variation, residue mobility, and thermodynamic stability) performed at Invitae indicates that this missense variant is not expected to disrupt PAX6 protein function with a negative predictive value of 80%. In summary, the available evidence is currently insufficient to determine the role of this variant in disease. Therefore, it has been classified as a Variant of Uncertain Significance.

NM_001368894.2(PAX6):c.541T>A (p.Ser181Thr)

Gene: PAX6 (paired box 6; minus strand). Cytogenetic location: 11p13.
Variant type: single nucleotide variant.
Coding change: c.541T>A on transcript NM_001368894.2 (MANE Select); coding-DNA position 541, T replaced by A.
Protein change: p.Ser181Thr; replaces serine 181 with threonine.
Molecular consequence: missense variant. On other transcripts: non-coding transcript variant (2).
Genome position (GRCh38, 1-based): chr11:31,800,715, A>T on the plus strand (T>A on the coding strand, the complement: PAX6 is on the minus strand). VCF-style: chr11-31800715-A-T. GRCh37 (hg19) VCF-style: chr11-31822263-A-T.
Other names: c.499T>A, p.Ser167Thr (NM_000280.6, NM_001127612.3, NM_001258464.2 and 10 more transcripts); c.541T>A, p.Ser181Thr (NM_001258462.3, NM_001258463.2, NM_001310158.2 and 6 more transcripts); c.91T>A, p.Ser31Thr (NM_001310160.2, NM_001310161.3, NM_001368899.2 and 11 more transcripts); c.742T>A, p.Ser248Thr (NM_001368910.2); c.544T>A, p.Ser182Thr (NM_001368911.2); c.616T>A, p.Ser206Thr (NM_001368918.2, NM_001368919.2); c.574T>A, p.Ser192Thr (NM_001368920.2); c.340T>A, p.Ser114Thr (NM_001368921.2, NM_001368922.2, NM_001368923.2 and 4 more transcripts); and 1 more; short protein forms S167T, S114T, S31T, S100T, S248T, S181T, S182T, S192T.
Identifiers: ClinVar variation 1360755 (VCV001360755.8), dbSNP rs1592529768, ClinGen allele CA379957949.